The following is an entry in ClinVar:

NM_001267550.2(TTN):c.69196G>T (p.Glu23066Ter)

Genes: TTN (titin; minus strand), TTN-AS1 (TTN antisense RNA 1; plus strand). Cytogenetic location: 2q31.2.
Variant type: single nucleotide variant.
Coding change: c.69196G>T on transcript NM_001267550.2 (MANE Select); coding-DNA position 69196, G replaced by T.
Protein change: p.Glu23066Ter; replaces glutamic acid 23066 with a stop codon.
Molecular consequence: nonsense.
Genome position (GRCh38, 1-based): chr2:178,577,139, C>A on the plus strand (G>T on the coding strand, the complement: TTN is on the minus strand). VCF-style: chr2-178577139-C-A. GRCh37 (hg19) VCF-style: chr2-179441866-C-A.
Other names: c.64273G>T, p.Glu21425Ter (NM_001256850.1); c.42001G>T, p.Glu14001Ter (NM_003319.4); c.61492G>T, p.Glu20498Ter (NM_133378.4); c.42376G>T, p.Glu14126Ter (NM_133432.3); c.42577G>T, p.Glu14193Ter (NM_133437.4); short protein forms E14001*, E14126*, E14193*, E20498*, E21425*, E23066*.
Identifiers: ClinVar variation 3382187 (VCV003382187.3).

ClinVar aggregate classification (germline): Likely pathogenic (1 of 4 stars; one submission).

Conditions:
Dilated cardiomyopathy 1G (CMD1G). Identifiers: Orphanet 154, MedGen C1858763, MONDO:0011400, OMIM 604145.

Submission:

Juno Genomics, Hangzhou Juno Genomics, Inc
Classification: Likely pathogenic for Dilated cardiomyopathy 1G. Review status: criteria provided, single submitter. Criteria: ACMG Guidelines, 2015. Collection method: clinical testing. Allele origin: germline.
Comment: Absent from controls (or at extremely low frequency if recessive) in Genome Aggregation Database.;Null variant in a gene where loss of function (LOF) is a known mechanism of disease.